The following is an entry in ClinVar:

NM_004706.4(ARHGEF1):c.839A>G (p.Gln280Arg)

Gene: ARHGEF1 (Rho guanine nucleotide exchange factor 1; plus strand). Cytogenetic location: 19q13.2.
Variant type: single nucleotide variant.
Coding change: c.839A>G on transcript NM_004706.4 (MANE Select); coding-DNA position 839, A replaced by G.
Protein change: p.Gln280Arg; replaces glutamine 280 with arginine.
Molecular consequence: missense variant.
Genome position (GRCh38, 1-based): chr19:41,894,545, A>G. VCF-style: chr19-41894545-A-G. GRCh37 (hg19) VCF-style: chr19-42398618-A-G.
Other names: c.740A>G, p.Gln247Arg (NM_198977.2); c.884A>G, p.Gln295Arg (NM_199002.2); short protein forms Q247R, Q280R, Q295R.
Identifiers: ClinVar variation 1021517 (VCV001021517.8), dbSNP rs2074445370, ClinGen allele CA406052808.

ClinVar aggregate classification (germline): Uncertain significance (1 of 4 stars; one submission).

Submission:

Labcorp Genetics (formerly Invitae), Labcorp
Classification: Uncertain significance. Last evaluated: 2022-01-19. Review status: criteria provided, single submitter. Criteria: Invitae Variant Classification Sherloc (09022015). Collection method: clinical testing. Allele origin: germline.
Comment: This variant is not present in population databases (gnomAD no frequency). This sequence change replaces glutamine, which is neutral and polar, with arginine, which is basic and polar, at codon 295 of the ARHGEF1 protein (p.Gln295Arg). This variant has not been reported in the literature in individuals affected with ARHGEF1-related conditions. ClinVar contains an entry for this variant (Variation ID: 1021517). Algorithms developed to predict the effect of missense changes on protein structure and function (SIFT, PolyPhen-2, Align-GVGD) all suggest that this variant is likely to be tolerated. In summary, the available evidence is currently insufficient to determine the role of this variant in disease. Therefore, it has been classified as a Variant of Uncertain Significance.